The following is an entry in ClinVar:

NM_012062.5(DNM1L):c.1165A>G (p.Thr389Ala)

Gene: DNM1L (dynamin 1 like; plus strand). Cytogenetic location: 12p11.21.
Variant type: single nucleotide variant.
Coding change: c.1165A>G on transcript NM_012062.5 (MANE Select); coding-DNA position 1165, A replaced by G.
Protein change: p.Thr389Ala; replaces threonine 389 with alanine.
Molecular consequence: missense variant.
Genome position (GRCh38, 1-based): chr12:32,731,099, A>G. VCF-style: chr12-32731099-A-G. GRCh37 (hg19) VCF-style: chr12-32884033-A-G.
Other names: c.1165A>G, p.Thr389Ala (NM_001278463.2, NM_005690.5, NM_012063.4); c.1204A>G, p.Thr402Ala (NM_001278464.2, NM_001278465.2, NM_001330380.2); c.556A>G, p.Thr186Ala (NM_001278466.2); c.1165A>G (NM_012062.3); short protein forms T186A, T402A, T389A.
Identifiers: ClinVar variation 3644793 (VCV003644793.3).
Genomic context (GRCh38, chr12:32,731,099, plus strand): 5'-ATTTTCCATGAGACTTTTGGGCGAACCTTAGAATCTGTTGATCCACTTGGTGGCCTTAAC[A>G]CTATTGACATTTTGACTGCCATTAGAAATGCTACTGTGAGTATGTTTAGCTTTTTAGACT-3'
Protein context (NP_036192.2, residues 379-399): ESVDPLGGLN[Thr389Ala]IDILTAIRNA

ClinVar aggregate classification (germline): Uncertain significance. Review status: criteria provided, multiple submitters, no conflicts (2 of 4 stars). 2 submissions from 2 submitters: Uncertain significance (2). Last evaluated 2025-04-15.

Conditions:
Inborn genetic diseases. Identifiers: MedGen C0950123, MeSH D030342.

gnomAD v4.1: 2 of 1,614,060 alleles (0.00012%); highest among the groups gnomAD compares: South Asian, 0.0011%; no homozygotes.

Submissions (2):

Ambry Genetics
Classification: Uncertain significance for Inborn genetic diseases. Last evaluated: 2025-04-15. Review status: criteria provided, single submitter. Criteria: Ambry Variant Classification Scheme 2023. Collection method: clinical testing. Allele origin: germline.

Labcorp Genetics (formerly Invitae), Labcorp
Classification: Uncertain significance. Last evaluated: 2024-03-27. Review status: criteria provided, single submitter. Criteria: Invitae Variant Classification Sherloc (09022015). Collection method: clinical testing. Allele origin: germline.
Comment: This sequence change replaces threonine, which is neutral and polar, with alanine, which is neutral and non-polar, at codon 389 of the DNM1L protein (p.Thr389Ala). This variant is not present in population databases (gnomAD no frequency). This variant has not been reported in the literature in individuals affected with DNM1L-related conditions. An algorithm developed to predict the effect of missense changes on protein structure and function (PolyPhen-2) suggests that this variant is likely to be tolerated. In summary, the available evidence is currently insufficient to determine the role of this variant in disease. Therefore, it has been classified as a Variant of Uncertain Significance.